The following is an entry in ClinVar:

NM_003072.5(SMARCA4):c.3350C>G (p.Ala1117Gly)

Gene: SMARCA4 (SWI/SNF related BAF chromatin remodeling complex subunit ATPase 4; plus strand). Cytogenetic location: 19p13.2.
Variant type: single nucleotide variant.
Coding change: c.3350C>G on transcript NM_003072.5 (MANE Select); coding-DNA position 3350, C replaced by G.
Protein change: p.Ala1117Gly; replaces alanine 1117 with glycine.
Molecular consequence: missense variant. On other transcripts: non-coding transcript variant (1).
Genome position (GRCh38, 1-based): chr19:11,027,918, C>G. VCF-style: chr19-11027918-C-G. GRCh37 (hg19) VCF-style: chr19-11138594-C-G.
Other names: c.3350C>G, p.Ala1117Gly (NM_001128844.3, NM_001128845.2, NM_001128846.2 and 5 more transcripts); short protein forms A1117G.
Identifiers: ClinVar variation 646123 (VCV000646123.9), dbSNP rs755069412, ClinGen allele CA404061852.

ClinVar aggregate classification (germline): Uncertain significance. Review status: criteria provided, multiple submitters, no conflicts (2 of 4 stars). 2 submissions from 2 submitters: Uncertain significance (2). Last evaluated 2025-01-13.

Conditions:
Hereditary cancer-predisposing syndrome. Also called: Hereditary Cancer Syndrome; Tumor predisposition; Hereditary neoplastic syndrome; Neoplastic Syndromes, Hereditary. Identifiers: Orphanet 140162, MedGen C0027672, MeSH D009386, MONDO:0015356.
Rhabdoid tumor predisposition syndrome 2 (RTPS2). Identifiers: Orphanet 231108, Orphanet 69077, MedGen C2750074, MONDO:0013224, OMIM 613325.

gnomAD v4.1: 8 of 1,614,168 alleles (0.0005%); highest among the groups gnomAD compares: Non-Finnish European, 0.00068%; no homozygotes.

Submissions (2):

Labcorp Genetics (formerly Invitae), Labcorp
Classification: Uncertain significance for Rhabdoid tumor predisposition syndrome 2. Last evaluated: 2025-01-13. Review status: criteria provided, single submitter. Criteria: Invitae Variant Classification Sherloc (09022015). Collection method: clinical testing. Allele origin: germline.
Comment: This sequence change replaces alanine, which is neutral and non-polar, with glycine, which is neutral and non-polar, at codon 1117 of the SMARCA4 protein (p.Ala1117Gly). This variant is not present in population databases (gnomAD no frequency). This variant has not been reported in the literature in individuals affected with SMARCA4-related conditions. ClinVar contains an entry for this variant (Variation ID: 646123). Invitae Evidence Modeling of protein sequence and biophysical properties (such as structural, functional, and spatial information, amino acid conservation, physicochemical variation, residue mobility, and thermodynamic stability) indicates that this missense variant is not expected to disrupt SMARCA4 protein function with a negative predictive value of 95%. In summary, the available evidence is currently insufficient to determine the role of this variant in disease. Therefore, it has been classified as a Variant of Uncertain Significance.

Ambry Genetics
Classification: Uncertain significance for Hereditary cancer-predisposing syndrome. Last evaluated: 2024-06-28. Review status: criteria provided, single submitter. Criteria: Ambry Variant Classification Scheme 2023. Collection method: clinical testing. Allele origin: germline.
Comment: The p.A1117G variant (also known as c.3350C>G), located in coding exon 23 of the SMARCA4 gene, results from a C to G substitution at nucleotide position 3350. The alanine at codon 1117 is replaced by glycine, an amino acid with similar properties. This amino acid position is highly conserved in available vertebrate species. In addition, the in silico prediction for this alteration is inconclusive. Missense and in-frame variants in SMARCA4 are known to cause neurodevelopmental disorders; however, such associations with rhabdoid tumor predisposition syndrome including small cell carcinoma of the ovary-hypercalcemic type (SCCOHT) are exceedingly rare (Kosho T et al. Am J Med Genet C Semin Med Genet. 2014 Sep;166C(3):262-75; Jelinic P et al. Nat Genet. 2014 May;46(5):424-6). Based on the supporting evidence, the association of this alteration with Coffin-Siris syndrome is unknown; however, the association of this alteration with rhabdoid tumor predisposition syndrome is unlikely.